The following is an entry in ClinVar:

ClinVar aggregate classification (germline): Uncertain significance (1 of 4 stars; one submission).

Conditions:
Autosomal recessive limb-girdle muscular dystrophy type 2C (LGMDR5). Also called: MUSCULAR DYSTROPHY, DUCHENNE-LIKE; MUSCULAR DYSTROPHY, LIMB-GIRDLE, AUTOSOMAL RECESSIVE 5. Identifiers: Orphanet 353, MedGen C0410173, MONDO:0009677, OMIM 253700. Disease mechanism: Affects gamma-sarcoglycan and also disrupts the integrity of the entire sarcoglycan complex..

Submission:

Labcorp Genetics (formerly Invitae), Labcorp
Classification: Uncertain significance for Autosomal recessive limb-girdle muscular dystrophy type 2C. Last evaluated: 2020-03-07. Review status: criteria provided, single submitter. Criteria: Invitae Variant Classification Sherloc (09022015). Collection method: clinical testing. Allele origin: germline.
Comment: In summary, the available evidence is currently insufficient to determine the role of this variant in disease. Therefore, it has been classified as a Variant of Uncertain Significance. Algorithms developed to predict the effect of missense changes on protein structure and function (SIFT, PolyPhen-2, Align-GVGD) all suggest that this variant is likely to be tolerated, but these predictions have not been confirmed by published functional studies and their clinical significance is uncertain. This variant has not been reported in the literature in individuals with SGCG-related conditions. This variant is not present in population databases (ExAC no frequency). This sequence change replaces methionine with isoleucine at codon 224 of the SGCG protein (p.Met224Ile). The methionine residue is moderately conserved and there is a small physicochemical difference between methionine and isoleucine.

NM_000231.3(SGCG):c.672G>T (p.Met224Ile)

Gene: SGCG (sarcoglycan gamma; plus strand). Cytogenetic location: 13q12.12.
Variant type: single nucleotide variant.
Coding change: c.672G>T on transcript NM_000231.3 (MANE Select); coding-DNA position 672, G replaced by T.
Protein change: p.Met224Ile; replaces methionine 224 with isoleucine.
Molecular consequence: missense variant.
Genome position (GRCh38, 1-based): chr13:23,320,730, G>T. VCF-style: chr13-23320730-G-T. GRCh37 (hg19) VCF-style: chr13-23894869-G-T.
Other names: c.726G>T, p.Met242Ile (NM_001378244.1); c.672G>T, p.Met224Ile (NM_001378245.1, NM_001378246.1); short protein forms M242I, M224I.
Identifiers: ClinVar variation 939686 (VCV000939686.10), dbSNP rs866525494, ClinGen allele CA387502833.